The following is an entry in ClinVar:

ClinVar aggregate classification (germline): Uncertain significance (1 of 4 stars; one submission).

Allele frequency attached by ClinVar (database versions not stated): gnomAD exomes below 0.00001; gnomAD 0.00002; TOPMed 0.00003.
gnomAD v4.1: 5 of 1,608,904 alleles (0.00031%); highest among the groups gnomAD compares: African/African-American, 0.0067%; no homozygotes.

Submission:

Labcorp Genetics (formerly Invitae), Labcorp
Classification: Uncertain significance. Last evaluated: 2024-02-23. Review status: criteria provided, single submitter. Criteria: Invitae Variant Classification Sherloc (09022015). Collection method: clinical testing. Allele origin: germline.
Comment: This sequence change replaces valine, which is neutral and non-polar, with isoleucine, which is neutral and non-polar, at codon 355 of the ATRN protein (p.Val355Ile). This variant is present in population databases (no rsID available, gnomAD 0.01%). This variant has not been reported in the literature in individuals affected with ATRN-related conditions. Algorithms developed to predict the effect of missense changes on protein structure and function output the following: SIFT: "Not Available"; PolyPhen-2: "Benign"; Align-GVGD: "Not Available". The isoleucine amino acid residue is found in multiple mammalian species, which suggests that this missense change does not adversely affect protein function. In summary, the available evidence is currently insufficient to determine the role of this variant in disease. Therefore, it has been classified as a Variant of Uncertain Significance.

NM_139321.3(ATRN):c.1063G>A (p.Val355Ile)

Gene: ATRN (attractin; plus strand). Cytogenetic location: 20p13.
Variant type: single nucleotide variant.
Coding change: c.1063G>A on transcript NM_139321.3 (MANE Select); coding-DNA position 1063, G replaced by A.
Protein change: p.Val355Ile; replaces valine 355 with isoleucine.
Molecular consequence: missense variant.
Genome position (GRCh38, 1-based): chr20:3,549,289, G>A. VCF-style: chr20-3549289-G-A. GRCh37 (hg19) VCF-style: chr20-3529936-G-A.
Other names: c.715G>A, p.Val239Ile (NM_001207047.3); c.1063G>A, p.Val355Ile (NM_001323332.2, NM_139322.4); short protein forms V355I, V239I.
Identifiers: ClinVar variation 2959668 (VCV002959668.3), dbSNP rs867467663, ClinGen allele CA310694558.